The following is an entry in ClinVar:

ClinVar aggregate classification (germline): Likely benign (1 of 4 stars; one submission).

Allele frequency attached by ClinVar (database versions not stated): gnomAD exomes below 0.00001.
gnomAD v4.1: 1 of 1,613,594 alleles (0.000062%); highest among the groups gnomAD compares: Non-Finnish European, 0.000085%; no homozygotes.

Submission:

GeneDx
Classification: Likely benign. Last evaluated: 2017-11-27. Review status: criteria provided, single submitter. Criteria: GeneDx Variant Classification (06012015). Collection method: clinical testing. Allele origin: germline. Affected: yes.
Comment: This variant is considered likely benign or benign based on one or more of the following criteria: it is a conservative change, it occurs at a poorly conserved position in the protein, it is predicted to be benign by multiple in silico algorithms, and/or has population frequency not consistent with disease.

NM_001845.6(COL4A1):c.2968+4C>T

Gene: COL4A1 (collagen type IV alpha 1 chain; minus strand). Cytogenetic location: 13q34.
Variant type: single nucleotide variant.
Coding change: c.2968+4C>T on transcript NM_001845.6 (MANE Select); 4 bases into the intron after coding-DNA position 2968, C replaced by T.
Molecular consequence: intron variant.
Genome position (GRCh38, 1-based): chr13:110,176,622, G>A on the plus strand (C>T on the coding strand, the complement: COL4A1 is on the minus strand). VCF-style: chr13-110176622-G-A. GRCh37 (hg19) VCF-style: chr13-110828969-G-A.
Identifiers: ClinVar variation 513693 (VCV000513693.1), dbSNP rs1555303033, ClinGen allele CA658798035.
Genomic context (GRCh38, chr13:110,176,622, plus strand): 5'-GCTGGGGAACACAGGCCTCATCCTGAGCCCTTGCCACACTGGGGACCGGAGCTCCACACT[G>A]TACCTGGCTGCCCAGGCTGTCCTGCCTGCCCGTCCTTTCCAGGCACTCCTGGGGTCCCAG-3'